The following is an entry in ClinVar:

NM_005257.6(GATA6):c.308G>A (p.Gly103Glu)

Gene: GATA6 (GATA binding protein 6; plus strand). Cytogenetic location: 18q11.2.
Variant type: single nucleotide variant.
Coding change: c.308G>A on transcript NM_005257.6 (MANE Select); coding-DNA position 308, G replaced by A.
Protein change: p.Gly103Glu; replaces glycine 103 with glutamic acid.
Molecular consequence: missense variant.
Genome position (GRCh38, 1-based): chr18:22,171,452, G>A. VCF-style: chr18-22171452-G-A. GRCh37 (hg19) VCF-style: chr18-19751413-G-A.
Other names: short protein forms G103E.
Identifiers: ClinVar variation 1385477 (VCV001385477.8), dbSNP rs1207902692, ClinGen allele CA401799381.

ClinVar aggregate classification (germline): Uncertain significance (1 of 4 stars; one submission).

Conditions:
Atrioventricular septal defect 5 (AVSD5). Identifiers: MedGen C3280939, MONDO:0013769, OMIM 614474.

Allele frequency attached by ClinVar (database versions not stated): gnomAD exomes below 0.00001.
gnomAD v4.1: 2 of 1,597,006 alleles (0.00013%); highest among the groups gnomAD compares: Non-Finnish European, 0.00017%; no homozygotes.

Submission:

Labcorp Genetics (formerly Invitae), Labcorp
Classification: Uncertain significance for Atrioventricular septal defect 5. Last evaluated: 2021-04-06. Review status: criteria provided, single submitter. Criteria: Invitae Variant Classification Sherloc (09022015). Collection method: clinical testing. Allele origin: germline.
Comment: This variant is not present in population databases (ExAC no frequency). This sequence change replaces glycine with glutamic acid at codon 103 of the GATA6 protein (p.Gly103Glu). The glycine residue is weakly conserved and there is a moderate physicochemical difference between glycine and glutamic acid. In summary, the available evidence is currently insufficient to determine the role of this variant in disease. Therefore, it has been classified as a Variant of Uncertain Significance. Algorithms developed to predict the effect of missense changes on protein structure and function are either unavailable or do not agree on the potential impact of this missense change (SIFT: "Deleterious"; PolyPhen-2: "Probably Damaging"; Align-GVGD: "Class C0"). This variant has not been reported in the literature in individuals with GATA6-related conditions.